The following is an entry in ClinVar:

ClinVar aggregate classification (germline): Uncertain significance (1 of 4 stars; one submission).

Submission:

Ambry Genetics
Classification: Uncertain significance. Last evaluated: 2024-04-07. Review status: criteria provided, single submitter. Criteria: Ambry Variant Classification Scheme 2023. Collection method: clinical testing. Allele origin: germline.
Comment: The p.A368S variant (also known as c.1102G>T), located in coding exon 8 of the RINT1 gene, results from a G to T substitution at nucleotide position 1102. The alanine at codon 368 is replaced by serine, an amino acid with similar properties. This amino acid position is conserved. In addition, the in silico prediction for this alteration is inconclusive. Based on the available evidence, the clinical significance of this variant remains unclear.

NM_021930.6(RINT1):c.1102G>T (p.Ala368Ser)

Gene: RINT1 (RAD50 interactor 1; plus strand). Cytogenetic location: 7q22.3.
Variant type: single nucleotide variant.
Coding change: c.1102G>T on transcript NM_021930.6 (MANE Select); coding-DNA position 1102, G replaced by T.
Protein change: p.Ala368Ser; replaces alanine 368 with serine.
Molecular consequence: missense variant. On other transcripts: non-coding transcript variant (1).
Genome position (GRCh38, 1-based): chr7:105,550,160, G>T. VCF-style: chr7-105550160-G-T. GRCh37 (hg19) VCF-style: chr7-105190607-G-T.
Other names: c.868G>T, p.Ala290Ser (NM_001346599.2); c.79G>T, p.Ala27Ser (NM_001346600.2, NM_001346603.2); c.178G>T, p.Ala60Ser (NM_001346601.2); short protein forms A368S, A290S, A27S, A60S.
Identifiers: ClinVar variation 3314446 (VCV003314446.1).